The following is an entry in ClinVar:

NM_017802.4(DNAAF5):c.328C>T (p.Pro110Ser)

Genes: PRKAR1B (protein kinase cAMP-dependent type I regulatory subunit beta; minus strand), DNAAF5 (dynein axonemal assembly factor 5; plus strand). Cytogenetic location: 7p22.3.
Variant type: single nucleotide variant.
Coding change: c.328C>T on transcript NM_017802.4 (MANE Select); coding-DNA position 328, C replaced by T.
Protein change: p.Pro110Ser; replaces proline 110 with serine.
Molecular consequence: missense variant. On other transcripts: non-coding transcript variant (1), intron variant (3).
Genome position (GRCh38, 1-based): chr7:727,048, C>T. VCF-style: chr7-727048-C-T. GRCh37 (hg19) VCF-style: chr7-766685-C-T.
Other names: c.-23+607G>A (NM_001164759.1); c.-23+542G>A (NM_001164758.2); c.-23+162G>A (NM_001164760.2); short protein forms P110S.
Identifiers: ClinVar variation 2099478 (VCV002099478.3), dbSNP rs2484003187, ClinGen allele CA366530251.
Genomic context (GRCh38, chr7:727,048, plus strand): 5'-GAGGGCTGCCGCGCGCTGGCAGTGCACCTGCTGGATCTGGGCCTGCGCCGCGCCGCGCGG[C>T]CCCGCGATGCCCTGCCGCGCCTGCTGCCCGCGCTCGCCGCGCGCTTGGCCGGCCCCGTGC-3'
Protein context (NP_060272.3, residues 100-120): LDLGLRRAAR[Pro110Ser]RDALPRLLPA

ClinVar aggregate classification (germline): Uncertain significance (1 of 4 stars; one submission).

Conditions:
Primary ciliary dyskinesia. Also called: Ciliary dyskinesia. Identifiers: Orphanet 244, MedGen C0008780, MONDO:0016575, HP:0012265.

Submission:

Labcorp Genetics (formerly Invitae), Labcorp
Classification: Uncertain significance for Primary ciliary dyskinesia. Last evaluated: 2022-04-15. Review status: criteria provided, single submitter. Criteria: Invitae Variant Classification Sherloc (09022015). Collection method: clinical testing. Allele origin: germline.
Comment: In summary, the available evidence is currently insufficient to determine the role of this variant in disease. Therefore, it has been classified as a Variant of Uncertain Significance. Algorithms developed to predict the effect of missense changes on protein structure and function are either unavailable or do not agree on the potential impact of this missense change (SIFT: "Tolerated"; PolyPhen-2: "Possibly Damaging"; Align-GVGD: "Class C0"). This variant has not been reported in the literature in individuals affected with DNAAF5-related conditions. The frequency data for this variant in the population databases is considered unreliable, as metrics indicate insufficient coverage at this position in the gnomAD database. This sequence change replaces proline, which is neutral and non-polar, with serine, which is neutral and polar, at codon 110 of the DNAAF5 protein (p.Pro110Ser).